The following is an entry in ClinVar:

ClinVar aggregate classification (germline): Uncertain significance (1 of 4 stars; one submission).

Allele frequency attached by ClinVar (database versions not stated): gnomAD exomes below 0.00001; TOPMed below 0.00001; gnomAD 0.00001.
gnomAD v4.1: 2 of 1,612,446 alleles (0.00012%); highest among the groups gnomAD compares: Admixed American, 0.0017%; no homozygotes.

Submission:

Labcorp Genetics (formerly Invitae), Labcorp
Classification: Uncertain significance. Last evaluated: 2021-08-19. Review status: criteria provided, single submitter. Criteria: Invitae Variant Classification Sherloc (09022015). Collection method: clinical testing. Allele origin: germline.
Comment: In summary, the available evidence is currently insufficient to determine the role of this variant in disease. Therefore, it has been classified as a Variant of Uncertain Significance. Algorithms developed to predict the effect of missense changes on protein structure and function are either unavailable or do not agree on the potential impact of this missense change (SIFT: "Tolerated"; PolyPhen-2: "Probably Damaging"; Align-GVGD: "Class C0"). This variant has not been reported in the literature in individuals affected with KIF2A-related conditions. This variant is not present in population databases (ExAC no frequency). This sequence change replaces tryptophan with serine at codon 619 of the KIF2A protein (p.Trp619Ser). The tryptophan residue is moderately conserved and there is a large physicochemical difference between tryptophan and serine.

NM_001098511.3(KIF2A):c.1856G>C (p.Trp619Ser)

Gene: KIF2A (kinesin family member 2A; plus strand). Cytogenetic location: 5q12.1.
Variant type: single nucleotide variant.
Coding change: c.1856G>C on transcript NM_001098511.3 (MANE Select); coding-DNA position 1856, G replaced by C.
Protein change: p.Trp619Ser; replaces tryptophan 619 with serine.
Molecular consequence: missense variant.
Genome position (GRCh38, 1-based): chr5:62,373,782, G>C. VCF-style: chr5-62373782-G-C. GRCh37 (hg19) VCF-style: chr5-61669609-G-C.
Other names: c.1661G>C, p.Trp554Ser (NM_001243952.2); c.1685G>C, p.Trp562Ser (NM_001243953.2); c.1742G>C, p.Trp581Ser (NM_004520.5); short protein forms W581S, W619S, W562S, W554S.
Identifiers: ClinVar variation 1437822 (VCV001437822.6), dbSNP rs755183498, ClinGen allele CA359821500.